The following is an entry in ClinVar:

ClinVar aggregate classification (germline): Uncertain significance (1 of 4 stars; one submission).

Conditions:
Developmental and epileptic encephalopathy, 27 (DEE27). Also called: GRIN2B-Related Neurodevelopmental Disorder; Epileptic encephalopathy, early infantile, 27. Identifiers: Orphanet 3451, MedGen C4015316, MONDO:0014505, OMIM 616139.

Submission:

Neuberg Centre For Genomic Medicine, NCGM
Classification: Uncertain significance for Developmental and epileptic encephalopathy, 27. Last evaluated: 2023-05-20. Review status: criteria provided, single submitter. Criteria: ACMG Guidelines, 2015. Collection method: clinical testing. Allele origin: germline. Inheritance: Autosomal dominant inheritance. Affected: yes.
Comment: The observed missense c.3839A>C(p.Lys1280Thr) variant in GRIN2B gene has not been reported previously as a pathogenic variant nor as a benign variant, to our knowledge. This variant is absent in gnomAD Exomes. The amino acid Lys at position 1280 is changed to a Thr changing protein sequence and it might alter its composition and physico-chemical properties. The amino acid change p.Lys1280Thr in GRIN2B is predicted as conserved by GERP++ and PhyloP across 100 vertebrates. Computational evidence (Polyphen - Benign, SIFT - Tolerated, and MutationTaster - Disease causing) predicts conflicting evidence on protein structure and function for this variant. For these reasons, this variant has been classified as Uncertain Significance.

NM_000834.5(GRIN2B):c.3839A>C (p.Lys1280Thr)

Gene: GRIN2B (glutamate ionotropic receptor NMDA type subunit 2B; minus strand). Cytogenetic location: 12p13.1.
Variant type: single nucleotide variant.
Coding change: c.3839A>C on transcript NM_000834.5 (MANE Select); coding-DNA position 3839, A replaced by C.
Protein change: p.Lys1280Thr; replaces lysine 1280 with threonine.
Molecular consequence: missense variant.
Genome position (GRCh38, 1-based): chr12:13,563,399, T>G on the plus strand (A>C on the coding strand, the complement: GRIN2B is on the minus strand). VCF-style: chr12-13563399-T-G. GRCh37 (hg19) VCF-style: chr12-13716333-T-G.
Other names: c.3839A>C, p.Lys1280Thr (NM_001413992.1); short protein forms K1280T.
Identifiers: ClinVar variation 3362293 (VCV003362293.3).